The following is an entry in ClinVar:

NM_001365088.1(SLC12A6):c.2360A>G (p.Lys787Arg)

Gene: SLC12A6 (solute carrier family 12 member 6; minus strand). Cytogenetic location: 15q14.
Variant type: single nucleotide variant.
Coding change: c.2360A>G on transcript NM_001365088.1 (MANE Select); coding-DNA position 2360, A replaced by G.
Protein change: p.Lys787Arg; replaces lysine 787 with arginine.
Molecular consequence: missense variant.
Genome position (GRCh38, 1-based): chr15:34,240,737, T>C on the plus strand (A>G on the coding strand, the complement: SLC12A6 is on the minus strand). VCF-style: chr15-34240737-T-C. GRCh37 (hg19) VCF-style: chr15-34532938-T-C.
Other names: c.2183A>G, p.Lys728Arg (NM_001042494.2, NM_001042495.2); c.2333A>G, p.Lys778Arg (NM_001042496.2); c.2315A>G, p.Lys772Arg (NM_001042497.2); c.2207A>G, p.Lys736Arg (NM_005135.2); c.2360A>G, p.Lys787Arg (NM_133647.2); short protein forms K772R, K728R, K778R, K736R, K787R.
Identifiers: ClinVar variation 885622 (VCV000885622.5), dbSNP rs1891585076, ClinGen allele CA391619704.

ClinVar aggregate classification (germline): Uncertain significance. Review status: criteria provided, multiple submitters, no conflicts (2 of 4 stars). 2 submissions from 2 submitters: Uncertain significance (2). Last evaluated 2025-05-27.

Conditions:
Agenesis of the corpus callosum with peripheral neuropathy (ACCPN). Also called: Hereditary Motor and Sensory Neuropathy with Agenesis of the Corpus Callosum; CHARLEVOIX DISEASE; POLYNEUROPATHY, SENSORIMOTOR, WITH OR WITHOUT AGENESIS OF THE CORPUS CALLOSUM; HMSN/ACC. Identifiers: Orphanet 1496, MedGen C0795950, MONDO:0000902, OMIM 218000. Disease mechanism: loss of function.

Allele frequency attached by ClinVar (database versions not stated): gnomAD exomes 0.00001.
gnomAD v4.1: 8 of 1,614,086 alleles (0.0005%); highest among the groups gnomAD compares: East Asian, 0.0089%; no homozygotes.

Submissions (2):

Labcorp Genetics (formerly Invitae), Labcorp
Classification: Uncertain significance. Last evaluated: 2025-05-27. Review status: criteria provided, single submitter. Criteria: Invitae Variant Classification Sherloc (09022015). Collection method: clinical testing. Allele origin: germline.
Comment: This sequence change replaces lysine, which is basic and polar, with arginine, which is basic and polar, at codon 787 of the SLC12A6 protein (p.Lys787Arg). This variant is not present in population databases (gnomAD no frequency). This variant has not been reported in the literature in individuals affected with SLC12A6-related conditions. ClinVar contains an entry for this variant (Variation ID: 885622). Invitae Evidence Modeling of protein sequence and biophysical properties (such as structural, functional, and spatial information, amino acid conservation, physicochemical variation, residue mobility, and thermodynamic stability) indicates that this missense variant is not expected to disrupt SLC12A6 protein function with a negative predictive value of 80%. In summary, the available evidence is currently insufficient to determine the role of this variant in disease. Therefore, it has been classified as a Variant of Uncertain Significance.

Illumina Laboratory Services, Illumina
Classification: Uncertain significance for Agenesis of the corpus callosum with peripheral neuropathy. Last evaluated: 2018-01-13. Review status: criteria provided, single submitter. Criteria: ICSL Variant Classification Criteria 13 December 2019. Collection method: clinical testing. Allele origin: germline.